The following is an entry in ClinVar:

ClinVar aggregate classification (germline): Uncertain significance. Review status: criteria provided, multiple submitters, no conflicts (2 of 4 stars). 5 submissions from 5 submitters: Uncertain significance (5). Last evaluated 2024-12-09.

Conditions:
Muscular dystrophy-dystroglycanopathy (congenital with brain and eye anomalies), type A14. Also called: Congenital Muscular Dystrophy-Dystroglycanopathy with Brain and Eye Anomalies Type A 14; Congenital muscular dystrophy-dystroglycanopathy with brain and eye anomalies, type A14; Muscular dystrophy-dystroglycanopathy (congenital with brain and eye anomalies), type a, 14; WALKER-WARBURG SYNDROME OR MUSCLE-EYE-BRAIN DISEASE, GMPPB-RELATED. Identifiers: Orphanet 588, MedGen C3809216, MONDO:0014140, OMIM 615350.
Inborn genetic diseases. Identifiers: MedGen C0950123, MeSH D030342.
Muscular dystrophy-dystroglycanopathy (congenital with impaired intellectual development), type B, 14. Also called: Congenital muscular dystrophy-dystroglycanopathy with mental retardation, type B14; MUSCULAR DYSTROPHY, CONGENITAL, GMPPB-RELATED; Muscular dystrophy-dystroglycanopathy (congenital with intellectual disability), type B14. Identifiers: MedGen C3809221, MONDO:0014141, OMIM 615351.
Autosomal recessive limb-girdle muscular dystrophy type 2T. Also called: Limb-girdle muscular dystrophy-dystroglycanopathy, type C14; MUSCULAR DYSTROPHY-DYSTROGLYCANOPATHY, LIMB-GIRDLE, GMPPB-RELATED; MUSCULAR DYSTROPHY, LIMB-GIRDLE, TYPE 2T; Muscular dystrophy-dystroglycanopathy (limb-girdle), type c, 14. Identifiers: Orphanet 363623, MedGen C4518000, MONDO:0014142, OMIM 615352.

Allele frequency attached by ClinVar (database versions not stated): ExAC 0.00007; TOPMed 0.00010; gnomAD 0.00005; ESP Exome Variant Server 0.00015.

Submissions (5):

Labcorp Genetics (formerly Invitae), Labcorp
Classification: Uncertain significance for Autosomal recessive limb-girdle muscular dystrophy type 2T; Muscular dystrophy-dystroglycanopathy (congenital with brain and eye anomalies), type A14; Muscular dystrophy-dystroglycanopathy (congenital with impaired intellectual development), type B, 14. Last evaluated: 2024-12-09. Review status: criteria provided, single submitter. Criteria: Invitae Variant Classification Sherloc (09022015). Collection method: clinical testing. Allele origin: germline.
Comment: This sequence change replaces serine, which is neutral and polar, with arginine, which is basic and polar, at codon 54 of the GMPPB protein (p.Ser54Arg). This variant is present in population databases (rs145671483, gnomAD 0.02%). This variant has not been reported in the literature in individuals affected with GMPPB-related conditions. ClinVar contains an entry for this variant (Variation ID: 664971). Invitae Evidence Modeling of protein sequence and biophysical properties (such as structural, functional, and spatial information, amino acid conservation, physicochemical variation, residue mobility, and thermodynamic stability) has been performed for this missense variant. However, the output from this modeling did not meet the statistical confidence thresholds required to predict the impact of this variant on GMPPB protein function. In summary, the available evidence is currently insufficient to determine the role of this variant in disease. Therefore, it has been classified as a Variant of Uncertain Significance.

Ambry Genetics
Classification: Uncertain significance for Inborn genetic diseases. Last evaluated: 2024-02-21. Review status: criteria provided, single submitter. Criteria: Ambry Variant Classification Scheme 2023. Collection method: clinical testing. Allele origin: germline.

GeneDx
Classification: Uncertain significance. Last evaluated: 2022-11-28. Review status: criteria provided, single submitter. Criteria: GeneDx Variant Classification Process June 2021. Collection method: clinical testing. Allele origin: germline. Affected: yes.
Comment: In silico analysis supports that this missense variant has a deleterious effect on protein structure/function; Has not been previously published as pathogenic or benign to our knowledge

Breda Genetics srl
Classification: Uncertain significance for Muscular dystrophy-dystroglycanopathy (congenital with brain and eye anomalies), type A14. Last evaluated: 2022-07-15. Review status: criteria provided, single submitter. Criteria: ACMG Guidelines, 2015. Collection method: clinical testing. Allele origin: germline. Inheritance: Autosomal recessive inheritance. Affected: yes. Observed: 1 variant allele, 1 heterozygote.
Comment: Based on allele frequency, in-silico prediction scores and a certain overlap with the clinical phenotype, we interpreted this variant at least as of uncertain significance. The lack of one or more of the following features has discouraged further investigations: lack of a possible second hit in autosomal recessive conditions, presence of healthy controls in databases for autosomal dominant conditions, presence of unmatching cardinal clinical features in the patient or in the known gene-disease association, and/or variant type outside the known gene mutational spectrum.

Revvity Omics, Revvity
Classification: Uncertain significance. Last evaluated: 2020-02-11. Review status: criteria provided, single submitter. Criteria: ACMG Guidelines, 2015. Collection method: clinical testing. Allele origin: germline.

NM_021971.4(GMPPB):c.160A>C (p.Ser54Arg)

Gene: GMPPB (GDP-mannose pyrophosphorylase B; minus strand). Cytogenetic location: 3p21.31.
Variant type: single nucleotide variant.
Coding change: c.160A>C on transcript NM_021971.4 (MANE Select); coding-DNA position 160, A replaced by C.
Protein change: p.Ser54Arg; replaces serine 54 with arginine.
Molecular consequence: missense variant.
Genome position (GRCh38, 1-based): chr3:49,723,442, T>G on the plus strand (A>C on the coding strand, the complement: GMPPB is on the minus strand). VCF-style: chr3-49723442-T-G. GRCh37 (hg19) VCF-style: chr3-49760875-T-G.
Other names: c.160A>C, p.Ser54Arg (NM_013334.4); c.160A>C (NM_013334.3, NM_013334.2); short protein forms S54R.
Identifiers: ClinVar variation 664971 (VCV000664971.9), dbSNP rs145671483, ClinGen allele CA2405667.